The following is an entry in ClinVar:

ClinVar aggregate classification (germline): Uncertain significance (1 of 4 stars; one submission).

Conditions:
Familial hypobetalipoproteinemia 1. Also called: APOB-Related Familial Hypobetalipoproteinemia; Hypobetalipoproteinemia, normotriglyceridemic; Acanthocytosis with hypobetalipoproteinemia. Identifiers: MedGen C4551990, MONDO:0014252, OMIM 615558.
Hypercholesterolemia, autosomal dominant, type B (FHCL2). Also called: APOLIPOPROTEIN B-100, FAMILIAL DEFECTIVE; APOLIPOPROTEIN B-100, FAMILIAL LIGAND-DEFECTIVE; HYPERCHOLESTEROLEMIA, FAMILIAL, DUE TO LIGAND-DEFECTIVE APOLIPOPROTEIN B; Hyperlipoproteinemia Type IIb; Familial hypercholesterolemia 2; Familial Hypercholesterolemia Type B. Identifiers: MedGen C1704417, MONDO:0007751, OMIM 144010.

Allele frequency attached by ClinVar (database versions not stated): TOPMed below 0.00001.

Submission:

Labcorp Genetics (formerly Invitae), Labcorp
Classification: Uncertain significance for Familial hypobetalipoproteinemia 1; Hypercholesterolemia, autosomal dominant, type B. Last evaluated: 2020-08-16. Review status: criteria provided, single submitter. Criteria: Invitae Variant Classification Sherloc (09022015). Collection method: clinical testing. Allele origin: germline.
Comment: This sequence change replaces serine with arginine at codon 3200 of the APOB protein (p.Ser3200Arg). The serine residue is weakly conserved and there is a moderate physicochemical difference between serine and arginine. This variant is not present in population databases (ExAC no frequency). This variant has been observed in individual(s) with clinical features of familial hypercholesterolemia (Invitae). Algorithms developed to predict the effect of missense changes on protein structure and function (SIFT, PolyPhen-2, Align-GVGD) all suggest that this variant is likely to be tolerated, but these predictions have not been confirmed by published functional studies and their clinical significance is uncertain. In summary, the available evidence is currently insufficient to determine the role of this variant in disease. Therefore, it has been classified as a Variant of Uncertain Significance.

NM_000384.3(APOB):c.9600C>G (p.Ser3200Arg)

Gene: APOB (apolipoprotein B; minus strand). Cytogenetic location: 2p24.1.
Variant type: single nucleotide variant.
Coding change: c.9600C>G on transcript NM_000384.3 (MANE Select); coding-DNA position 9600, C replaced by G.
Protein change: p.Ser3200Arg; replaces serine 3200 with arginine.
Molecular consequence: missense variant.
Genome position (GRCh38, 1-based): chr2:21,007,268, G>C on the plus strand (C>G on the coding strand, the complement: APOB is on the minus strand). VCF-style: chr2-21007268-G-C. GRCh37 (hg19) VCF-style: chr2-21230140-G-C.
Other names: short protein forms S3200R.
Identifiers: ClinVar variation 1013921 (VCV001013921.11), dbSNP rs1663169783, ClinGen allele CA345989405.